The following is an entry in ClinVar:

NM_000701.8(ATP1A1):c.1745A>G (p.Asn582Ser)

Genes: ATP1A1 (ATPase Na+/K+ transporting subunit alpha 1; plus strand), ATP1A1-AS1 (ATP1A1 antisense RNA 1; minus strand). Cytogenetic location: 1p13.1.
Variant type: single nucleotide variant.
Coding change: c.1745A>G on transcript NM_000701.8 (MANE Select); coding-DNA position 1745, A replaced by G.
Protein change: p.Asn582Ser; replaces asparagine 582 with serine.
Molecular consequence: missense variant.
Genome position (GRCh38, 1-based): chr1:116,395,194, A>G. VCF-style: chr1-116395194-A-G. GRCh37 (hg19) VCF-style: chr1-116937816-A-G.
Other names: c.1745A>G, p.Asn582Ser (NM_001160233.2); c.1652A>G, p.Asn551Ser (NM_001160234.2); short protein forms N582S, N551S.
Identifiers: ClinVar variation 4769074 (VCV004769074.1).

ClinVar aggregate classification (germline): Uncertain significance (1 of 4 stars; one submission).

gnomAD v4.1: 2 of 1,614,050 alleles (0.00012%); highest among the groups gnomAD compares: Non-Finnish European, 0.00017%; no homozygotes.

Submission:

Labcorp Genetics (formerly Invitae), Labcorp
Classification: Uncertain significance. Last evaluated: 2025-11-09. Review status: criteria provided, single submitter. Criteria: Invitae Variant Classification Sherloc (09022015). Collection method: clinical testing. Allele origin: germline.
Comment: This sequence change replaces asparagine, which is neutral and polar, with serine, which is neutral and polar, at codon 582 of the ATP1A1 protein (p.Asn582Ser). This variant is not present in population databases (gnomAD no frequency). This variant has not been reported in the literature in individuals affected with ATP1A1-related conditions. Invitae Evidence Modeling of protein sequence and biophysical properties (such as structural, functional, and spatial information, amino acid conservation, physicochemical variation, residue mobility, and thermodynamic stability) has been performed for this missense variant. However, the output from this modeling did not meet the statistical confidence thresholds required to predict the impact of this variant on ATP1A1 protein function. In summary, the available evidence is currently insufficient to determine the role of this variant in disease. Therefore, it has been classified as a Variant of Uncertain Significance.